The following is an entry in ClinVar:

ClinVar aggregate classification (germline): Uncertain significance (1 of 4 stars; one submission).

Conditions:
Cardiovascular phenotype. Identifiers: MedGen CN230736.

Submission:

Ambry Genetics
Classification: Uncertain significance for Cardiovascular phenotype. Last evaluated: 2024-11-12. Review status: criteria provided, single submitter. Criteria: Ambry Variant Classification Scheme 2023. Collection method: clinical testing. Allele origin: germline.
Comment: The c.121_122delGGinsAA variant (also known as p.G41K), located in coding exon 1 of the KCNJ8 gene, results from an in-frame deletion of GG and insertion of AA at nucleotide positions 121 to 122. This results in the substitution of the glycine residue for a lysine residue at codon 41, an amino acid with dissimilar properties. This amino acid position is highly conserved in available vertebrate species. In addition, this alteration is predicted to be deleterious by in silico analysis (Choi Y et al. PLoS ONE. 2012; 7(10):e46688). Based on the available evidence, the clinical significance of this variant remains unclear.

NM_004982.4(KCNJ8):c.121_122delinsAA (p.Gly41Lys)

Genes: KCNJ8 (potassium inwardly rectifying channel subfamily J member 8; minus strand), KCNJ8-AS1 (KCNJ8 antisense RNA 1; plus strand). Cytogenetic location: 12p12.1.
Variant type: Indel.
Coding change: c.121_122delinsAA on transcript NM_004982.4 (MANE Select); coding-DNA positions 121 to 122, GG replaced by AA.
Protein change: p.Gly41Lys; replaces glycine 41 with lysine.
Molecular consequence: missense variant.
Genome position (GRCh38, 1-based): chr12:21,773,495-21,773,496, CC replaced by TT on the plus strand (GG replaced by AA on the coding strand, the reverse complement: KCNJ8 is on the minus strand). VCF-style: chr12-21773495-CC-TT. GRCh37 (hg19) VCF-style: chr12-21926429-CC-TT.
Other names: short protein forms G41K.
Identifiers: ClinVar variation 3532517 (VCV003532517.1).